The following is an entry in ClinVar:

ClinVar aggregate classification (germline): Likely benign. Review status: criteria provided, single submitter (1 of 4 stars). 2 submissions from 2 submitters: Likely benign (1). 1 of the submissions does not count toward it. Last evaluated 2025-12-03.

Conditions:
MYO7A-related disorder. Also called: MYO7A-related disorders.

Allele frequency attached by ClinVar (database versions not stated): ExAC 0.00002; gnomAD 0.00001.
gnomAD v4.1: 10 of 1,599,082 alleles (0.00063%); highest among the groups gnomAD compares: Admixed American, 0.0017%; no homozygotes.

Submissions (2):

Labcorp Genetics (formerly Invitae), Labcorp
Classification: Likely benign. Last evaluated: 2025-12-03. Review status: criteria provided, single submitter. Criteria: Invitae Variant Classification Sherloc (09022015). Collection method: clinical testing. Allele origin: germline.

PreventionGenetics, part of Exact Sciences
Classification: Likely benign for MYO7A-related condition. Last evaluated: 2019-03-18. Review status: no assertion criteria provided. Collection method: clinical testing. Allele origin: germline. Not counted in ClinVar's aggregate classification.
Comment: This variant is classified as likely benign based on ACMG/AMP sequence variant interpretation guidelines (Richards et al. 2015 PMID: 25741868, with internal and published modifications).

NM_000260.4(MYO7A):c.3822G>A (p.Thr1274=)

Gene: MYO7A (myosin VIIA; plus strand). Cytogenetic location: 11q13.5.
Variant type: single nucleotide variant.
Coding change: c.3822G>A on transcript NM_000260.4 (MANE Select); coding-DNA position 3822, G replaced by A.
Protein change: p.Thr1274=; no amino-acid change (threonine 1274 retained).
Molecular consequence: synonymous variant.
Genome position (GRCh38, 1-based): chr11:77,190,768, G>A. VCF-style: chr11-77190768-G-A. GRCh37 (hg19) VCF-style: chr11-76901813-G-A.
Other names: c.3822G>A, p.Thr1274= (NM_001127180.2); c.3789G>A, p.Thr1263= (NM_001369365.1).
Identifiers: ClinVar variation 3058075 (VCV003058075.3), dbSNP rs774694978, ClinGen allele CA6198209.